The following is an entry in ClinVar:

ClinVar aggregate classification (germline): Likely benign (1 of 4 stars; one submission).

Conditions:
PHIP-related disorder. Also called: PHIP-related condition; PHIP-related disorders.

Submission:

PreventionGenetics, part of Exact Sciences
Classification: Likely benign for PHIP-related condition. Last evaluated: 2025-02-27. Review status: criteria provided, single submitter. Criteria: ACMG Guidelines, 2015. Collection method: clinical testing. Allele origin: germline.
Comment: This variant is classified as likely benign based on ACMG/AMP sequence variant interpretation guidelines (Richards et al. 2015 PMID: 25741868, with internal and published modifications).

NM_017934.7(PHIP):c.3656+1235_3656+1239del

Genes: IRAK1BP1 (interleukin 1 receptor associated kinase 1 binding protein 1; plus strand), PHIP (PHIP subunit of CUL4-Ring ligase complex; minus strand). Cytogenetic location: 6q14.1.
Variant type: Deletion.
Coding change: c.3656+1235_3656+1239del on transcript NM_017934.7 (MANE Select); bases 1235 to 1239 of the intron after coding-DNA position 3656, 5 bases deleted (AAAAA; older notation c.3656+1235_3656+1239delAAAAA).
Molecular consequence: intron variant.
Genome position (GRCh38, 1-based): chr6:78,960,451-78,960,455, TTTTT deleted on the plus strand (AAAAA on the coding strand, the reverse complement: PHIP is on the minus strand); deleting any 5 consecutive bases within chr6:78,960,451-78,960,466 gives the same sequence; the c. name uses the placement nearest the transcript's 3' end. VCF-style (leftmost placement, unchanged base first): chr6-78960450-CTTTTT-C. GRCh37 (hg19) VCF-style: chr6-79670167-CTTTTT-C.
Identifiers: ClinVar variation 4990453 (VCV004990453.1).